The following is an entry in ClinVar:

ClinVar aggregate classification (germline): Uncertain significance (1 of 4 stars; one submission).

gnomAD v4.1: 8 of 1,614,208 alleles (0.0005%); highest among the groups gnomAD compares: Non-Finnish European, 0.00068%; no homozygotes.

Submission:

Ambry Genetics
Classification: Uncertain significance. Last evaluated: 2024-10-20. Review status: criteria provided, single submitter. Criteria: Ambry Variant Classification Scheme 2023. Collection method: clinical testing. Allele origin: germline.
Comment: The p.R1965K variant (also known as c.5894G>A), located in coding exon 8 of the ALPK2 gene, results from a G to A substitution at nucleotide position 5894. The arginine at codon 1965 is replaced by lysine, an amino acid with highly similar properties. This amino acid position is conserved. In addition, this alteration is predicted to be tolerated by in silico analysis. Based on the available evidence, the clinical significance of this variant remains unclear.

NM_052947.4(ALPK2):c.5894G>A (p.Arg1965Lys)

Gene: ALPK2 (alpha kinase 2; minus strand). Cytogenetic location: 18q21.31.
Variant type: single nucleotide variant.
Coding change: c.5894G>A on transcript NM_052947.4 (MANE Select); coding-DNA position 5894, G replaced by A.
Protein change: p.Arg1965Lys; replaces arginine 1965 with lysine.
Molecular consequence: missense variant.
Genome position (GRCh38, 1-based): chr18:58,516,954, C>T on the plus strand (G>A on the coding strand, the complement: ALPK2 is on the minus strand). VCF-style: chr18-58516954-C-T. GRCh37 (hg19) VCF-style: chr18-56184186-C-T.
Other names: short protein forms R1965K.
Identifiers: ClinVar variation 3531817 (VCV003531817.1).